The following is an entry in ClinVar:

ClinVar aggregate classification (germline): Uncertain significance. Review status: criteria provided, multiple submitters, no conflicts (2 of 4 stars). 6 submissions from 6 submitters: Uncertain significance (6). Last evaluated 2025-12-14.

Conditions:
Lynch syndrome. Identifiers: Orphanet 144, MedGen C4552100, MONDO:0005835. Disease mechanism: loss of function.
Hereditary nonpolyposis colorectal neoplasms. Identifiers: MedGen C0009405, MeSH D003123.
Hereditary cancer-predisposing syndrome. Also called: Hereditary Cancer Syndrome; Neoplastic Syndromes, Hereditary; Hereditary neoplastic syndrome; Tumor predisposition. Identifiers: Orphanet 140162, MedGen C0027672, MeSH D009386, MONDO:0015356.

Allele frequency attached by ClinVar (database versions not stated): gnomAD exomes below 0.00001; ExAC 0.00001.
gnomAD v4.1: 1 of 1,614,086 alleles (0.000062%); highest among the groups gnomAD compares: Non-Finnish European, 0.000085%; no homozygotes.

Submissions (6):

Labcorp Genetics (formerly Invitae), Labcorp
Classification: Uncertain significance for Hereditary nonpolyposis colorectal neoplasms. Last evaluated: 2025-12-14. Review status: criteria provided, single submitter. Criteria: Invitae Variant Classification Sherloc (09022015). Collection method: clinical testing. Allele origin: germline.
Comment: This sequence change replaces phenylalanine, which is neutral and non-polar, with valine, which is neutral and non-polar, at codon 1222 of the MSH6 protein (p.Phe1222Val). This variant is present in population databases (rs775265464, gnomAD 0.0009%). This variant has not been reported in the literature in individuals affected with MSH6-related conditions. ClinVar contains an entry for this variant (Variation ID: 428303). Invitae Evidence Modeling incorporating data from in vitro experimental studies (internal data) indicates that this missense variant is expected to disrupt MSH6 function with a positive predictive value of 95%. In summary, the available evidence is currently insufficient to determine the role of this variant in disease. Therefore, it has been classified as a Variant of Uncertain Significance.

Center for Genomic Medicine, Rigshospitalet, Copenhagen University Hospital
Classification: Uncertain significance. Last evaluated: 2025-03-04. Review status: criteria provided, single submitter. Criteria: ACMG Guidelines, 2015. Collection method: clinical testing. Allele origin: germline.

Ambry Genetics
Classification: Uncertain significance for Hereditary cancer-predisposing syndrome. Last evaluated: 2024-09-08. Review status: criteria provided, single submitter. Criteria: Ambry Variant Classification Scheme 2023. Collection method: clinical testing. Allele origin: germline.
Comment: The p.F1222V variant (also known as c.3664T>G), located in coding exon 8 of the MSH6 gene, results from a T to G substitution at nucleotide position 3664. The phenylalanine at codon 1222 is replaced by valine, an amino acid with highly similar properties. This variant was reported in 0/60,466 breast cancer cases and in 1/53,461 controls (Dorling et al. N Engl J Med. 2021 02;384:428-439). This amino acid position is highly conserved in available vertebrate species through reptiles. In addition, this alteration is predicted to be deleterious by in silico analysis. Since supporting evidence is limited at this time, the clinical significance of this alteration remains unclear.

GeneDx
Classification: Uncertain significance. Last evaluated: 2024-08-25. Review status: criteria provided, single submitter. Criteria: GeneDx Variant Classification Process June 2021. Collection method: clinical testing. Allele origin: germline. Affected: yes.
Comment: Not observed at significant frequency in large population cohorts (gnomAD); In silico analysis supports that this missense variant has a deleterious effect on protein structure/function; Co-occurs with a pathogenic APC variant in a patient with a personal and family history of colorectal cancer (PMID: 30680046); This variant is associated with the following publications: (PMID: 17531815, 21120944, 12019211, 33471991, 30680046)

All of Us Research Program, National Institutes of Health
Classification: Uncertain significance for Lynch syndrome. Last evaluated: 2024-07-29. Review status: criteria provided, single submitter. Criteria: ACMG Guidelines, 2015. Collection method: clinical testing. Allele origin: germline. Inheritance: Autosomal dominant inheritance. Observed: 1 variant allele, 1 heterozygote.
Comment: This missense variant replaces phenylalanine with valine at codon 1222 of the MSH6 protein. Computational prediction suggests that this variant may have deleterious impact on protein structure and function (internally defined REVEL score threshold >= 0.7, PMID: 27666373). To our knowledge, functional studies have not been reported for this variant. This variant has been reported in an individual affected with familial adenomatous polyposis (FAP) and colorectal cancer, who also carried an APC variant (PMID: 30680046). This variant has been identified in 1/251258 chromosomes in the general population by the Genome Aggregation Database (gnomAD). The available evidence is insufficient to determine the role of this variant in disease conclusively. Therefore, this variant is classified as a Variant of Uncertain Significance.

This study involves interpretation of variants in research participants for the purpose of population health screening. Participant phenotype was not available at the time of variant classification. Additional details can be found in publication PMID: 35346344, PMCID: PMC8962531

Color Diagnostics, LLC DBA Color Health
Classification: Uncertain significance for Hereditary cancer-predisposing syndrome. Last evaluated: 2024-07-18. Review status: criteria provided, single submitter. Criteria: ACMG Guidelines, 2015. Collection method: clinical testing. Allele origin: germline.
Comment: This missense variant replaces phenylalanine with valine at codon 1222 of the MSH6 protein. Computational prediction suggests that this variant may have deleterious impact on protein structure and function (internally defined REVEL score threshold >= 0.7, PMID: 27666373). To our knowledge, functional studies have not been reported for this variant. This variant has been reported in an individual affected with familial adenomatous polyposis (FAP) and colorectal cancer, who also carried an APC variant (PMID: 30680046). This variant has been identified in 1/251258 chromosomes in the general population by the Genome Aggregation Database (gnomAD). The available evidence is insufficient to determine the role of this variant in disease conclusively. Therefore, this variant is classified as a Variant of Uncertain Significance.

Literature cited by the submitters: PubMed 30680046 (cited by 3 submitters); PubMed 33471991 (cited by Ambry Genetics).

NM_000179.3(MSH6):c.3664T>G (p.Phe1222Val)

Gene: MSH6 (mutS homolog 6; plus strand). Cytogenetic location: 2p16.3.
Variant type: single nucleotide variant.
Coding change: c.3664T>G on transcript NM_000179.3 (MANE Select); coding-DNA position 3664, T replaced by G.
Protein change: p.Phe1222Val; replaces phenylalanine 1222 with valine.
Molecular consequence: missense variant.
Genome position (GRCh38, 1-based): chr2:47,806,221, T>G. VCF-style: chr2-47806221-T-G. GRCh37 (hg19) VCF-style: chr2-48033360-T-G.
Other names: c.3274T>G, p.Phe1092Val (NM_001281492.2); c.2758T>G, p.Phe920Val (NM_001281493.2, NM_001281494.2); short protein forms F1222V, F1092V, F920V.
Identifiers: ClinVar variation 428303 (VCV000428303.24), dbSNP rs775265464, ClinGen allele CA071813.
Genomic context (GRCh38, chr2:47,806,221, plus strand): 5'-AATTCCTTTGAGTTACTTCCTTATGCATATTTTACTTTAACAGGAAGAGGTACTGCAACA[T>G]TTGATGGGACGGCAATAGCAAATGCAGTTGTTAAAGAACTTGCTGAGACTATAAAATGTC-3'
Protein context (NP_000170.1, residues 1212-1232): VDELGRGTAT[Phe1222Val]DGTAIANAVV